The following is an entry in ClinVar:

ClinVar aggregate classification (germline): Uncertain significance. Review status: criteria provided, multiple submitters, no conflicts (2 of 4 stars). 3 submissions from 3 submitters: Uncertain significance (3). Last evaluated 2025-09-22.

Conditions:
Inborn genetic diseases. Identifiers: MedGen C0950123, MeSH D030342.
Cranioectodermal dysplasia 1 (CED1). Also called: LEVIN SYNDROME I. Identifiers: Orphanet 1515, MedGen C0432235, MONDO:0021093, OMIM 218330.

gnomAD v4.1: 216 of 1,610,366 alleles (0.013%); highest among the groups gnomAD compares: Non-Finnish European, 0.017%; 1 homozygote.

Submissions (3):

Ambry Genetics
Classification: Uncertain significance for Inborn genetic diseases. Last evaluated: 2025-09-22. Review status: criteria provided, single submitter. Criteria: Ambry Variant Classification Scheme 2023. Collection method: clinical testing. Allele origin: germline.

Labcorp Genetics (formerly Invitae), Labcorp
Classification: Uncertain significance for Cranioectodermal dysplasia 1. Last evaluated: 2025-08-26. Review status: criteria provided, single submitter. Criteria: Invitae Variant Classification Sherloc (09022015). Collection method: clinical testing. Allele origin: germline.
Comment: This sequence change replaces arginine, which is basic and polar, with leucine, which is neutral and non-polar, at codon 897 of the IFT122 protein (p.Arg897Leu). This variant is present in population databases (rs370415289, gnomAD 0.02%). This variant has not been reported in the literature in individuals affected with IFT122-related conditions. ClinVar contains an entry for this variant (Variation ID: 3588461). Invitae Evidence Modeling of protein sequence and biophysical properties (such as structural, functional, and spatial information, amino acid conservation, physicochemical variation, residue mobility, and thermodynamic stability) indicates that this missense variant is not expected to disrupt IFT122 protein function with a negative predictive value of 80%. In summary, the available evidence is currently insufficient to determine the role of this variant in disease. Therefore, it has been classified as a Variant of Uncertain Significance.

Fulgent Genetics
Classification: Uncertain significance for Cranioectodermal dysplasia 1. Last evaluated: 2024-01-08. Review status: criteria provided, single submitter. Criteria: ACMG Guidelines, 2015. Collection method: clinical testing. Allele origin: germline.

NM_052989.3(IFT122):c.2537G>T (p.Arg846Leu)

Gene: IFT122 (intraflagellar transport 122; plus strand). Cytogenetic location: 3q22.1.
Variant type: single nucleotide variant.
Coding change: c.2537G>T on transcript NM_052989.3 (MANE Select); coding-DNA position 2537, G replaced by T.
Protein change: p.Arg846Leu; replaces arginine 846 with leucine.
Molecular consequence: missense variant.
Genome position (GRCh38, 1-based): chr3:129,502,872, G>T. VCF-style: chr3-129502872-G-T. GRCh37 (hg19) VCF-style: chr3-129221715-G-T.
Other names: c.2690G>T, p.Arg897Leu (NM_052985.4); c.2204G>T, p.Arg735Leu (NM_052990.3, NM_001410815.1); c.2690G>T (NM_052985.2); c.2513G>T, p.Arg838Leu (NM_001280541.2); c.2087G>T, p.Arg696Leu (NM_001280545.2); c.1910G>T, p.Arg637Leu (NM_001280546.2); c.2537G>T, p.Arg846Leu (NM_001410808.1); c.2483G>T, p.Arg828Leu (NM_001410809.1); and 3 more; short protein forms R735L, R787L, R828L, R838L, R717L, R769L, R897L, R637L.
Identifiers: ClinVar variation 3588461 (VCV003588461.3).